The following is an entry in ClinVar:

ClinVar aggregate classification (germline): Likely benign (1 of 4 stars; one submission).

Conditions:
Peutz-Jeghers syndrome (PJS). Also called: POLYPOSIS, HAMARTOMATOUS INTESTINAL; POLYPS-AND-SPOTS SYNDROME; Peutz-Jeghers polyposis; Periorificial lentiginosis syndrome. Identifiers: Orphanet 2869, MedGen C0031269, MeSH D010580, MONDO:0008280, OMIM 175200.

Submission:

Myriad Genetics, Inc.
Classification: Likely benign for Peutz-Jeghers syndrome. Last evaluated: 2025-03-26. Review status: criteria provided, single submitter. Criteria: Myriad Autosomal Dominant, Autosomal Recessive and X-Linked Classification Criteria (2023). Collection method: clinical testing. Allele origin: unknown.
Comment: This variant is considered likely benign. This variant is intronic and is not expected to impact mRNA splicing.

NM_000455.5(STK11):c.465-10C>T

Gene: STK11 (serine/threonine kinase 11; plus strand). Cytogenetic location: 19p13.3.
Variant type: single nucleotide variant.
Coding change: c.465-10C>T on transcript NM_000455.5 (MANE Select); 10 bases into the intron before coding-DNA position 465, C replaced by T.
Molecular consequence: intron variant.
Genome position (GRCh38, 1-based): chr19:1,220,363, C>T. VCF-style: chr19-1220363-C-T. GRCh37 (hg19) VCF-style: chr19-1220362-C-T.
Other names: c.465-10C>T (NM_001407255.1).
Identifiers: ClinVar variation 3903684 (VCV003903684.1).